The following is an entry in ClinVar:

NM_001048174.2(MUTYH):c.1350G>T (p.Gln450His)

Gene: MUTYH (mutY DNA glycosylase; minus strand). Cytogenetic location: 1p34.1.
Variant type: single nucleotide variant.
Coding change: c.1350G>T on transcript NM_001048174.2 (MANE Select); coding-DNA position 1350, G replaced by T.
Protein change: p.Gln450His; replaces glutamine 450 with histidine.
Molecular consequence: missense variant. On other transcripts: non-coding transcript variant (7).
Genome position (GRCh38, 1-based): chr1:45,331,224, C>A on the plus strand (G>T on the coding strand, the complement: MUTYH is on the minus strand). VCF-style: chr1-45331224-C-A. GRCh37 (hg19) VCF-style: chr1-45796896-C-A.
Other names: c.1350G>T, p.Gln450His (NM_001048171.2, NM_001048173.2, NM_001293195.2 and 6 more transcripts); c.1353G>T, p.Gln451His (NM_001048172.2, NM_001407071.1, NM_001407078.1 and 1 more transcripts); c.1434G>T, p.Gln478His (NM_001128425.2); c.1395G>T, p.Gln465His (NM_001293190.2); c.1383G>T, p.Gln461His (NM_001293191.2, NM_001407069.1, NM_001407077.1); c.1074G>T, p.Gln358His (NM_001293192.2, NM_001293196.2, NM_001407091.1); c.1005G>T, p.Gln335His (NM_001350650.2, NM_001350651.2, NM_001407082.1); c.1266G>T, p.Gln422His (NM_001407075.1); and 5 more; short protein forms Q422H, Q464H, Q465H, Q335H, Q457H, Q461H, Q475H, Q478H.
Identifiers: ClinVar variation 4112866 (VCV004112866.1).

ClinVar aggregate classification (germline): Uncertain significance (1 of 4 stars; one submission).

Conditions:
Hereditary cancer-predisposing syndrome. Also called: Tumor predisposition; Neoplastic Syndromes, Hereditary; Hereditary neoplastic syndrome; Hereditary Cancer Syndrome. Identifiers: Orphanet 140162, MedGen C0027672, MeSH D009386, MONDO:0015356.

Submission:

Ambry Genetics
Classification: Uncertain significance for Hereditary cancer-predisposing syndrome. Last evaluated: 2025-08-27. Review status: criteria provided, single submitter. Criteria: Ambry Variant Classification Scheme 2023. Collection method: clinical testing. Allele origin: germline.
Comment: The p.Q478H variant (also known as c.1434G>T), located in coding exon 14 of the MUTYH gene, results from a G to T substitution at nucleotide position 1434. The glutamine at codon 478 is replaced by histidine, an amino acid with highly similar properties. This amino acid position is conserved. In addition, this alteration is predicted to be tolerated by in silico analysis. Based on the available evidence, the clinical significance of this variant remains unclear.